The following is an entry in ClinVar:

ClinVar aggregate classification (germline): Uncertain significance. Review status: criteria provided, multiple submitters, no conflicts (2 of 4 stars). 3 submissions from 3 submitters: Uncertain significance (3). Last evaluated 2025-06-05.

Conditions:
Breast and/or ovarian cancer. Identifiers: MedGen CN221562.
Hereditary cancer-predisposing syndrome. Also called: Neoplastic Syndromes, Hereditary; Tumor predisposition; Hereditary Cancer Syndrome; Hereditary neoplastic syndrome. Identifiers: Orphanet 140162, MedGen C0027672, MeSH D009386, MONDO:0015356.
Ataxia-telangiectasia syndrome (AT). Also called: LOUIS-BAR SYNDROME; Cerebello-oculocutaneous telangiectasia; Immunodeficiency with ataxia telangiectasia; Ataxia telangiectasia (A-T); Ataxia-telangiectasia, complementation group D; AT, COMPLEMENTATION GROUP C. Identifiers: Orphanet 100, MedGen C0004135, MONDO:0008840, OMIM 208900.

Submissions (3):

Ambry Genetics
Classification: Uncertain significance for Hereditary cancer-predisposing syndrome. Last evaluated: 2025-06-05. Review status: criteria provided, single submitter. Criteria: Ambry Variant Classification Scheme 2023. Collection method: clinical testing. Allele origin: germline.
Comment: The p.H2254Y variant (also known as c.6760C>T), located in coding exon 45 of the ATM gene, results from a C to T substitution at nucleotide position 6760. The histidine at codon 2254 is replaced by tyrosine, an amino acid with similar properties. This amino acid position is highly conserved in available vertebrate species. In addition, this alteration is predicted to be deleterious by in silico analysis. Based on the available evidence, the clinical significance of this variant remains unclear.

CHEO Genetics Diagnostic Laboratory, Children's Hospital of Eastern Ontario
Classification: Uncertain significance for Breast and/or ovarian cancer. Last evaluated: 2021-06-15. Review status: criteria provided, single submitter. Criteria: ACMG Guidelines, 2015. Collection method: clinical testing. Allele origin: germline.

Labcorp Genetics (formerly Invitae), Labcorp
Classification: Uncertain significance for Ataxia-telangiectasia syndrome. Last evaluated: 2021-06-15. Review status: criteria provided, single submitter. Criteria: Invitae Variant Classification Sherloc (09022015). Collection method: clinical testing. Allele origin: germline.
Comment: In summary, the available evidence is currently insufficient to determine the role of this variant in disease. Therefore, it has been classified as a Variant of Uncertain Significance. Advanced modeling of protein sequence and biophysical properties (such as structural, functional, and spatial information, amino acid conservation, physicochemical variation, residue mobility, and thermodynamic stability) performed at Invitae indicates that this missense variant is not expected to disrupt ATM protein function. This variant has not been reported in the literature in individuals with ATM-related conditions. This variant is not present in population databases (ExAC no frequency). This sequence change replaces histidine with tyrosine at codon 2254 of the ATM protein (p.His2254Tyr). The histidine residue is highly conserved and there is a moderate physicochemical difference between histidine and tyrosine.

NM_000051.4(ATM):c.6760C>T (p.His2254Tyr)

Genes: ATM (ATM serine/threonine kinase; plus strand), C11orf65 (chromosome 11 open reading frame 65; minus strand). Cytogenetic location: 11q22.3.
Variant type: single nucleotide variant.
Coding change: c.6760C>T on transcript NM_000051.4 (MANE Select); coding-DNA position 6760, C replaced by T.
Protein change: p.His2254Tyr; replaces histidine 2254 with tyrosine.
Molecular consequence: missense variant. On other transcripts: intron variant (2).
Genome position (GRCh38, 1-based): chr11:108,325,497, C>T. VCF-style: chr11-108325497-C-T. GRCh37 (hg19) VCF-style: chr11-108196224-C-T.
Other names: c.6760C>T, p.His2254Tyr (NM_001351834.2); c.641-16426G>A (NM_001330368.2); c.*38+9723G>A (NM_001351110.2); short protein forms H2254Y.
Identifiers: ClinVar variation 1504232 (VCV001504232.11), dbSNP rs2136316772, ClinGen allele CA382555336.
Genomic context (GRCh38, chr11:108,325,497, plus strand): 5'-CTGATGGAAAAGGAAATGGACAACTCACAAAGAGAATGTATTAAGGACATTCTCACCAAA[C>T]ACCTTGTAGAACTCTCTATACTGGCCAGAACTTTCAAGAACACTCAGGTAAATACAATTT-3'
Protein context (NP_000042.3, residues 2244-2264): RECIKDILTK[His2254Tyr]LVELSILART